The following is an entry in ClinVar:

ClinVar aggregate classification (germline): Pathogenic (1 of 4 stars; one submission).

Conditions:
Beckwith-Wiedemann syndrome (BWS). Also called: EMG SYNDROME; Exomphalos macroglossia gigantism syndrome. Identifiers: Orphanet 116, MedGen C0004903, MONDO:0007534, OMIM 130650.

Submission:

Labcorp Genetics (formerly Invitae), Labcorp
Classification: Pathogenic for Beckwith-Wiedemann syndrome. Last evaluated: 2022-09-25. Review status: criteria provided, single submitter. Criteria: Invitae Variant Classification Sherloc (09022015). Collection method: clinical testing. Allele origin: germline.
Comment: For these reasons, this variant has been classified as Pathogenic. This variant disrupts a region of the CDKN1C protein in which other variant(s) (p.Ser282*) have been determined to be pathogenic (PMID: 19386358, 20503313). This suggests that this is a clinically significant region of the protein, and that variants that disrupt it are likely to be disease-causing. This premature translational stop signal has been observed in individual(s) with Beckwith-Wiedemann syndrome (Invitae). The frequency data for this variant in the population databases is considered unreliable, as metrics indicate insufficient coverage at this position in the gnomAD database. This sequence change creates a premature translational stop signal (p.Ala213Profs*59) in the CDKN1C gene. While this is not anticipated to result in nonsense mediated decay, it is expected to disrupt the last 104 amino acid(s) of the CDKN1C protein.

Literature cited by the submitters: PubMed 19386358; PubMed 20503313.

NM_001122630.2(CDKN1C):c.604del (p.Ala202fs)

Gene: CDKN1C (cyclin dependent kinase inhibitor 1C; minus strand). Cytogenetic location: 11p15.4.
Variant type: Deletion.
Coding change: c.604del on transcript NM_001122630.2 (MANE Select); coding-DNA position 604, one base deleted (G; older notation c.604delG).
Protein change: p.Ala202fs; shifts the reading frame from alanine 202.
Molecular consequence: frameshift variant. On other transcripts: intron variant (1).
Genome position (GRCh38, 1-based): chr11:2,884,853, C deleted on the plus strand (G on the coding strand, the reverse complement: CDKN1C is on the minus strand); the first of 2 consecutive C bases (chr11:2,884,853-2,884,854); deleting either gives the same sequence. VCF-style (leftmost placement, unchanged base first): chr11-2884852-GC-G. GRCh37 (hg19) VCF-style: chr11-2906082-GC-G.
Other names: c.637del, p.Ala213fs (NM_000076.2, NM_001362474.2); c.604del, p.Ala202fs (NM_001122631.2); c.255+349del (NM_001362475.2); short protein forms A202fs, A213fs.
Identifiers: ClinVar variation 2022620 (VCV002022620.4), dbSNP rs2494385326, ClinGen allele CA2580082642.